The following is an entry in ClinVar:

ClinVar aggregate classification (germline): Uncertain significance. Review status: criteria provided, multiple submitters, no conflicts (2 of 4 stars). 2 submissions from 2 submitters: Uncertain significance (2). Last evaluated 2026-03-25.

Conditions:
Hereditary cancer-predisposing syndrome. Also called: Hereditary Cancer Syndrome; Neoplastic Syndromes, Hereditary; Tumor predisposition; Hereditary neoplastic syndrome. Identifiers: Orphanet 140162, MedGen C0027672, MeSH D009386, MONDO:0015356.
Tuberous sclerosis 2 (TSC2). Identifiers: Orphanet 805, MedGen C1860707, MONDO:0013199, OMIM 613254.

Submissions (2):

Ambry Genetics
Classification: Uncertain significance for Hereditary cancer-predisposing syndrome. Last evaluated: 2026-03-25. Review status: criteria provided, single submitter. Criteria: Ambry Variant Classification Scheme 2023. Collection method: clinical testing. Allele origin: germline.
Comment: The p.D1631Y variant (also known as c.4891G>T), located in coding exon 37 of the TSC2 gene, results from a G to T substitution at nucleotide position 4891. The aspartic acid at codon 1631 is replaced by tyrosine, an amino acid with highly dissimilar properties. This amino acid position is conserved. In addition, this alteration is predicted to be deleterious by in silico analysis. Since supporting evidence is limited at this time, the clinical significance of this alteration remains unclear.

Labcorp Genetics (formerly Invitae), Labcorp
Classification: Uncertain significance for Tuberous sclerosis 2. Last evaluated: 2022-05-25. Review status: criteria provided, single submitter. Criteria: Invitae Variant Classification Sherloc (09022015). Collection method: clinical testing. Allele origin: germline.
Comment: In summary, the available evidence is currently insufficient to determine the role of this variant in disease. Therefore, it has been classified as a Variant of Uncertain Significance. Advanced modeling of protein sequence and biophysical properties (such as structural, functional, and spatial information, amino acid conservation, physicochemical variation, residue mobility, and thermodynamic stability) performed at Invitae indicates that this missense variant is expected to disrupt TSC2 protein function. ClinVar contains an entry for this variant (Variation ID: 946771). This variant has not been reported in the literature in individuals affected with TSC2-related conditions. This variant is not present in population databases (gnomAD no frequency). This sequence change replaces aspartic acid, which is acidic and polar, with tyrosine, which is neutral and polar, at codon 1631 of the TSC2 protein (p.Asp1631Tyr).

NM_000548.5(TSC2):c.4891G>T (p.Asp1631Tyr)

Gene: TSC2 (TSC complex subunit 2; plus strand). Cytogenetic location: 16p13.3.
Variant type: single nucleotide variant.
Coding change: c.4891G>T on transcript NM_000548.5 (MANE Select); coding-DNA position 4891, G replaced by T.
Protein change: p.Asp1631Tyr; replaces aspartic acid 1631 with tyrosine.
Molecular consequence: missense variant.
Genome position (GRCh38, 1-based): chr16:2,086,773, G>T. VCF-style: chr16-2086773-G-T. GRCh37 (hg19) VCF-style: chr16-2136774-G-T.
Other names: c.4690G>T, p.Asp1564Tyr (NM_001077183.3); c.4822G>T, p.Asp1608Tyr (NM_001114382.3); c.4582G>T, p.Asp1528Tyr (NM_001318827.2); c.4546G>T, p.Asp1516Tyr (NM_001318829.2); c.4159G>T, p.Asp1387Tyr (NM_001318831.2); c.4723G>T, p.Asp1575Tyr (NM_001318832.2); c.4693G>T, p.Asp1565Tyr (NM_001363528.2); c.4759G>T, p.Asp1587Tyr (NM_001370404.1); and 1 more; short protein forms D1564Y, D1587Y, D1565Y, D1575Y, D1588Y, D1387Y, D1516Y, D1528Y.
Identifiers: ClinVar variation 946771 (VCV000946771.11), dbSNP rs2090855331, ClinGen allele CA394308389.